The following is an entry in ClinVar:

NM_001288705.3(CSF1R):c.248G>A (p.Arg83His)

Gene: CSF1R (colony stimulating factor 1 receptor; minus strand). Cytogenetic location: 5q32.
Variant type: single nucleotide variant.
Coding change: c.248G>A on transcript NM_001288705.3 (MANE Select); coding-DNA position 248, G replaced by A.
Protein change: p.Arg83His; replaces arginine 83 with histidine.
Molecular consequence: missense variant. On other transcripts: 5 prime UTR variant (1), non-coding transcript variant (2).
Genome position (GRCh38, 1-based): chr5:150,080,826, C>T on the plus strand (G>A on the coding strand, the complement: CSF1R is on the minus strand). VCF-style: chr5-150080826-C-T. GRCh37 (hg19) VCF-style: chr5-149460389-C-T.
Other names: c.248G>A, p.Arg83His (NM_001349736.2, NM_001375320.1, NM_005211.4); c.-197G>A (NM_001375321.1); short protein forms R83H.
Identifiers: ClinVar variation 1377375 (VCV001377375.6), dbSNP rs761230419, ClinGen allele CA3507240.
Genomic context (GRCh38, chr5:150,080,826, plus strand): 5'-CCTTTGACATAGAGGTGGATGGCGGCGCTGCCTCCCAGGGGGTCTCCAGGCTCAGTGCAG[C>T]GATAGGTCCCCGTGTTTTGGAAGGTAGCGTTGTTGGTGCTGAGGATGCTGCTGGAGCCAT-3'
Protein context (NP_001275634.1, residues 73-93): NATFQNTGTY[Arg83His]CTEPGDPLGG

ClinVar aggregate classification (germline): Uncertain significance (1 of 4 stars; one submission).

Allele frequency attached by ClinVar (database versions not stated): TOPMed 0.00002; gnomAD exomes 0.00003; gnomAD 0.00004.
gnomAD v4.1: 53 of 1,614,004 alleles (0.0033%); highest among the groups gnomAD compares: Middle Eastern, 0.066%; no homozygotes.

Submission:

Labcorp Genetics (formerly Invitae), Labcorp
Classification: Uncertain significance. Last evaluated: 2025-04-08. Review status: criteria provided, single submitter. Criteria: Invitae Variant Classification Sherloc (09022015). Collection method: clinical testing. Allele origin: germline.
Comment: This sequence change replaces arginine, which is basic and polar, with histidine, which is basic and polar, at codon 83 of the CSF1R protein (p.Arg83His). This variant is present in population databases (rs761230419, gnomAD 0.005%). This variant has not been reported in the literature in individuals affected with CSF1R-related conditions. ClinVar contains an entry for this variant (Variation ID: 1377375). Invitae Evidence Modeling of protein sequence and biophysical properties (such as structural, functional, and spatial information, amino acid conservation, physicochemical variation, residue mobility, and thermodynamic stability) indicates that this missense variant is not expected to disrupt CSF1R protein function with a negative predictive value of 95%. In summary, the available evidence is currently insufficient to determine the role of this variant in disease. Therefore, it has been classified as a Variant of Uncertain Significance.